The following is an entry in ClinVar:

ClinVar aggregate classification (germline): Uncertain significance (1 of 4 stars; one submission).

gnomAD v4.1: 2 of 1,614,082 alleles (0.00012%); highest among the groups gnomAD compares: Non-Finnish European, 0.00017%; no homozygotes.

Submission:

Labcorp Genetics (formerly Invitae), Labcorp
Classification: Uncertain significance. Last evaluated: 2022-10-01. Review status: criteria provided, single submitter. Criteria: Invitae Variant Classification Sherloc (09022015). Collection method: clinical testing. Allele origin: germline.
Comment: This sequence change replaces arginine, which is basic and polar, with proline, which is neutral and non-polar, at codon 626 of the ANKZF1 protein (p.Arg626Pro). In summary, the available evidence is currently insufficient to determine the role of this variant in disease. Therefore, it has been classified as a Variant of Uncertain Significance. Algorithms developed to predict the effect of missense changes on protein structure and function are either unavailable or do not agree on the potential impact of this missense change (SIFT: "Tolerated"; PolyPhen-2: "Possibly Damaging"; Align-GVGD: "Class C0"). This variant has not been reported in the literature in individuals affected with ANKZF1-related conditions. This variant is present in population databases (no rsID available, gnomAD 0.007%).

NM_018089.3(ANKZF1):c.1877G>C (p.Arg626Pro)

Gene: ANKZF1 (ankyrin repeat and zinc finger peptidyl tRNA hydrolase 1; plus strand). Cytogenetic location: 2q35.
Variant type: single nucleotide variant.
Coding change: c.1877G>C on transcript NM_018089.3 (MANE Select); coding-DNA position 1877, G replaced by C.
Protein change: p.Arg626Pro; replaces arginine 626 with proline.
Molecular consequence: missense variant.
Genome position (GRCh38, 1-based): chr2:219,235,781, G>C. VCF-style: chr2-219235781-G-C. GRCh37 (hg19) VCF-style: chr2-220100503-G-C.
Other names: c.1877G>C, p.Arg626Pro (NM_001042410.2); c.1247G>C, p.Arg416Pro (NM_001282792.2); short protein forms R416P, R626P.
Identifiers: ClinVar variation 1720810 (VCV001720810.5), dbSNP rs376170556, ClinGen allele CA350687719.